The following is an entry in ClinVar:

NM_001042492.3(NF1):c.3496+1G>T

Gene: NF1 (neurofibromin 1; plus strand). Cytogenetic location: 17q11.2.
Variant type: single nucleotide variant.
Coding change: c.3496+1G>T on transcript NM_001042492.3 (MANE Select); the canonical splice donor site of the intron after coding-DNA position 3496, G replaced by T.
Molecular consequence: splice donor variant.
Genome position (GRCh38, 1-based): chr17:31,232,882, G>T. VCF-style: chr17-31232882-G-T. GRCh37 (hg19) VCF-style: chr17-29559900-G-T.
Other names: c.3496+1G>T (NM_000267.4).
Identifiers: ClinVar variation 2137979 (VCV002137979.5), dbSNP rs2067138719, ClinGen allele CA398989544.

ClinVar aggregate classification (germline): Pathogenic. Review status: criteria provided, multiple submitters, no conflicts (2 of 4 stars). 2 submissions from 2 submitters: Pathogenic (2). Last evaluated 2025-06-05.

Conditions:
Neurofibromatosis, type 1 (NF1). Also called: Peripheral type neurofibromatosis; VON RECKLINGHAUSEN DISEASE; NEUROFIBROMATOSIS, TYPE I, SOMATIC; Neurofibromatosis, type I. Identifiers: Orphanet 636, MedGen C0027831, MONDO:0018975, OMIM 162200. Disease mechanism: loss of function.

Submissions (2):

NHS Central & South Genomic Laboratory Hub
Classification: Pathogenic for Neurofibromatosis type 1. Last evaluated: 2025-06-05. Review status: criteria provided, single submitter. Criteria: ACMG Guidelines, 2015. Collection method: clinical testing. Allele origin: germline. Affected: yes.

Labcorp Genetics (formerly Invitae), Labcorp
Classification: Pathogenic for Neurofibromatosis, type 1. Last evaluated: 2022-10-07. Review status: criteria provided, single submitter. Criteria: Invitae Variant Classification Sherloc (09022015). Collection method: clinical testing. Allele origin: germline.
Comment: Algorithms developed to predict the effect of sequence changes on RNA splicing suggest that this variant may disrupt the consensus splice site. For these reasons, this variant has been classified as Pathogenic. Disruption of this splice site has been observed in individual(s) with neurofibromatosis type 1 (PMID: 17311297, 31370276). This variant is not present in population databases (gnomAD no frequency). This sequence change affects a donor splice site in intron 26 of the NF1 gene. It is expected to disrupt RNA splicing. Variants that disrupt the donor or acceptor splice site typically lead to a loss of protein function (PMID: 16199547), and loss-of-function variants in NF1 are known to be pathogenic (PMID: 10712197, 23913538).

Literature cited by the submitters: PubMed 17311297 (cited by Labcorp Genetics (formerly Invitae), Labcorp); PubMed 31370276 (cited by Labcorp Genetics (formerly Invitae), Labcorp); PubMed 16199547 (cited by Labcorp Genetics (formerly Invitae), Labcorp); PubMed 10712197 (cited by Labcorp Genetics (formerly Invitae), Labcorp); PubMed 23913538 (cited by Labcorp Genetics (formerly Invitae), Labcorp).